The following is an entry in ClinVar:

ClinVar aggregate classification (germline): Uncertain significance (1 of 4 stars; one submission).

Allele frequency attached by ClinVar (database versions not stated): gnomAD 0.00001; gnomAD exomes 0.00002; TOPMed 0.00003; ExAC 0.00004.

Submission:

Labcorp Genetics (formerly Invitae), Labcorp
Classification: Uncertain significance. Last evaluated: 2024-02-24. Review status: criteria provided, single submitter. Criteria: Invitae Variant Classification Sherloc (09022015). Collection method: clinical testing. Allele origin: germline.
Comment: This sequence change replaces arginine, which is basic and polar, with glutamine, which is neutral and polar, at codon 82 of the GALM protein (p.Arg82Gln). This variant is present in population databases (rs750244194, gnomAD 0.01%). This variant has not been reported in the literature in individuals affected with GALM-related conditions. ClinVar contains an entry for this variant (Variation ID: 1521516). Advanced modeling of protein sequence and biophysical properties (such as structural, functional, and spatial information, amino acid conservation, physicochemical variation, residue mobility, and thermodynamic stability) performed at Invitae indicates that this missense variant is expected to disrupt GALM protein function with a positive predictive value of 80%. Experimental studies are conflicting or provide insufficient evidence to determine the effect of this variant on GALM function (PMID: 30910422). In summary, the available evidence is currently insufficient to determine the role of this variant in disease. Therefore, it has been classified as a Variant of Uncertain Significance.

Literature cited by the submitters: PubMed 30910422.

NM_138801.3(GALM):c.245G>A (p.Arg82Gln)

Gene: GALM (galactose mutarotase; plus strand). Cytogenetic location: 2p22.1.
Variant type: single nucleotide variant.
Coding change: c.245G>A on transcript NM_138801.3 (MANE Select); coding-DNA position 245, G replaced by A.
Protein change: p.Arg82Gln; replaces arginine 82 with glutamine.
Molecular consequence: missense variant.
Genome position (GRCh38, 1-based): chr2:38,675,966, G>A. VCF-style: chr2-38675966-G-A. GRCh37 (hg19) VCF-style: chr2-38903108-G-A.
Other names: short protein forms R82Q.
Identifiers: ClinVar variation 1521516 (VCV001521516.7), dbSNP rs750244194, ClinGen allele CA1621444.